The following is an entry in ClinVar:

NM_002224.4(ITPR3):c.5379G>C (p.Met1793Ile)

Gene: ITPR3 (inositol 1,4,5-trisphosphate receptor type 3; plus strand). Cytogenetic location: 6p21.31.
Variant type: single nucleotide variant.
Coding change: c.5379G>C on transcript NM_002224.4 (MANE Select); coding-DNA position 5379, G replaced by C.
Protein change: p.Met1793Ile; replaces methionine 1793 with isoleucine.
Molecular consequence: missense variant.
Genome position (GRCh38, 1-based): chr6:33,685,430, G>C. VCF-style: chr6-33685430-G-C. GRCh37 (hg19) VCF-style: chr6-33653207-G-C.
Other names: short protein forms M1793I.
Identifiers: ClinVar variation 4828005 (VCV004828005.1).
Genomic context (GRCh38, chr6:33,685,430, plus strand): 5'-CAACCTGATGATGAGTGACAAGAAGTCAGAGCGCTTCTTCAAGGTGCTGCACGACCGCAT[G>C]AAGCGGGCCCAGCAGGAGACCAAGTCCACGGTGGCAGTCAACATGAATGACCTGGGCAGC-3'
Protein context (NP_002215.2, residues 1783-1803): ERFFKVLHDR[Met1793Ile]KRAQQETKST

ClinVar aggregate classification (germline): Uncertain significance (1 of 4 stars; one submission).

Submission:

Ambry Genetics
Classification: Uncertain significance. Last evaluated: 2026-02-17. Review status: criteria provided, single submitter. Criteria: Ambry Variant Classification Scheme 2023. Collection method: clinical testing. Allele origin: germline.
Comment: The c.5379G>C (p.M1793I) alteration is located in exon 40 (coding exon 40) of the ITPR3 gene. This alteration results from a G to C substitution at nucleotide position 5379, causing the methionine (M) at amino acid position 1793 to be replaced by an isoleucine (I). Based on data from gnomAD, the C allele has an overall frequency of <0.001% (1/251232) total alleles studied. The highest observed frequency was 0.001% (1/113614) of European (non-Finnish) alleles. Based on insufficient or conflicting evidence, the clinical significance of this alteration remains unclear.